The following is an entry in ClinVar:

NM_004237.4(TRIP13):c.82C>T (p.Arg28Cys)

Gene: TRIP13 (thyroid hormone receptor interactor 13; plus strand). Cytogenetic location: 5p15.33.
Variant type: single nucleotide variant.
Coding change: c.82C>T on transcript NM_004237.4 (MANE Select); coding-DNA position 82, C replaced by T.
Protein change: p.Arg28Cys; replaces arginine 28 with cysteine.
Molecular consequence: missense variant.
Genome position (GRCh38, 1-based): chr5:893,080, C>T. VCF-style: chr5-893080-C-T. GRCh37 (hg19) VCF-style: chr5-893195-C-T.
Other names: c.82C>T, p.Arg28Cys (NM_001166260.2); short protein forms R28C.
Identifiers: ClinVar variation 4705278 (VCV004705278.1).
Genomic context (GRCh38, chr5:893,080, plus strand): 5'-CTGAAGCAGGCGCTTCCCTGTGTGGCCGAGTCGCCAACGGTCCACGTGGAGGTGCATCAG[C>T]GCGGCAGCAGGTGAGCCGGACCTGTCCGACACATCCTCTGGGCACCCACCCGCCCCGACC-3'
Protein context (NP_004228.1, residues 18-38): SPTVHVEVHQ[Arg28Cys]GSSTAKKEDI

ClinVar aggregate classification (germline): Uncertain significance (1 of 4 stars; one submission).

Submission:

Labcorp Genetics (formerly Invitae), Labcorp
Classification: Uncertain significance. Last evaluated: 2025-05-13. Review status: criteria provided, single submitter. Criteria: Invitae Variant Classification Sherloc (09022015). Collection method: clinical testing. Allele origin: germline.
Comment: This sequence change replaces arginine, which is basic and polar, with cysteine, which is neutral and slightly polar, at codon 28 of the TRIP13 protein (p.Arg28Cys). This variant is not present in population databases (gnomAD no frequency). This variant has not been reported in the literature in individuals affected with TRIP13-related conditions. An algorithm developed to predict the effect of missense changes on protein structure and function (PolyPhen-2) suggests that this variant is likely to be tolerated. In summary, the available evidence is currently insufficient to determine the role of this variant in disease. Therefore, it has been classified as a Variant of Uncertain Significance.